The following is an entry in ClinVar:

NM_005159.5(ACTC1):c.617-7del

Genes: ACTC1 (actin alpha cardiac muscle 1; minus strand), GJD2-DT (GJD2 divergent transcript; plus strand). Cytogenetic location: 15q14.
Variant type: Deletion.
Coding change: c.617-7del on transcript NM_005159.5 (MANE Select); 7 bases into the intron before coding-DNA position 617, one base deleted (T; older notation c.617-7delT).
Molecular consequence: intron variant.
Genome position (GRCh38, 1-based): chr15:34,792,288, A deleted on the plus strand (T on the coding strand, the reverse complement: ACTC1 is on the minus strand); the first of 3 consecutive A bases (chr15:34,792,288-34,792,290); deleting any one gives the same sequence. VCF-style (leftmost placement, unchanged base first): chr15-34792287-GA-G. GRCh37 (hg19) VCF-style: chr15-35084488-GA-G.
Other names: c.617-7del (NM_001406483.1, NM_001406482.1); c.176-7del (NM_001406485.1); c.482-7del (NM_001406484.1).
Identifiers: ClinVar variation 3070405 (VCV003070405.1), dbSNP rs2504180434, ClinGen allele CA2627662894.

ClinVar aggregate classification (germline): Uncertain significance (1 of 4 stars; one submission).

Conditions:
Hypertrophic cardiomyopathy. Also called: HYPERTROPHIC MYOCARDIOPATHY. Identifiers: Orphanet 217569, MedGen C0007194, MeSH D002312, MONDO:0005045, HP:0001639.

Submission:

All of Us Research Program, National Institutes of Health
Classification: Uncertain significance for Hypertrophic cardiomyopathy. Last evaluated: 2023-12-01. Review status: criteria provided, single submitter. Criteria: ACMG Guidelines, 2015. Collection method: clinical testing. Allele origin: germline. Inheritance: Autosomal dominant inheritance. Observed: 3 variant alleles, 3 heterozygotes.
Comment: This variant causes a deletion of one nucleotide in intron 4 of the ACTC1 gene. To our knowledge, functional studies have not been reported for this variant. This variant has not been reported in individuals affected with ACTC1-related disorders in the literature. This variant has not been identified in the general population by the Genome Aggregation Database (gnomAD). The available evidence is insufficient to determine the role of this variant in disease conclusively. Therefore, this variant is classified as a Variant of Uncertain Significance.

This study involves interpretation of variants in research participants for the purpose of population health screening. Participant phenotype was not available at the time of variant classification. Additional details can be found in publication PMID: 35346344, PMCID: PMC8962531